The following is an entry in ClinVar:

NC_000010.10:g.(?_55849734)_(55996701_?)dup

Gene: PCDH15 (protocadherin related 15; minus strand). Cytogenetic location: 10q21.1.
Variant type: Duplication.
Identifiers: ClinVar variation 1067965 (VCV001067965.4).

ClinVar aggregate classification (germline): Likely pathogenic (1 of 4 stars; one submission).

Submission:

Labcorp Genetics (formerly Invitae), Labcorp
Classification: Likely pathogenic. Last evaluated: 2020-03-14. Review status: criteria provided, single submitter. Criteria: Invitae Variant Classification Sherloc (09022015). Collection method: clinical testing. Allele origin: germline.
Comment: This variant results in a copy number gain of the genomic region encompassing exons 9-16 of the PCDH15 gene. While the exact position of this variant cannot be determined from this data, sub-genic copy number gains are generally in tandem (PMID: 25640679) and may result in an absent or disrupted protein product. This variant has not been reported in the literature in individuals with PCDH15-related conditions. Loss-of-function variants in PCDH15 are known to be pathogenic (PMID: 11398101, 11487575, 14570705). In summary, the currently available evidence indicates that the variant is pathogenic, but additional data are needed to prove that conclusively. Therefore, this variant has been classified as Likely Pathogenic.

Literature cited by the submitters: PubMed 25640679; PubMed 11398101; PubMed 11487575; PubMed 14570705.